The following is an entry in ClinVar:

NM_001070.5(TUBG1):c.694-12G>A

Gene: TUBG1 (tubulin gamma 1; plus strand). Cytogenetic location: 17q21.2.
Variant type: single nucleotide variant.
Coding change: c.694-12G>A on transcript NM_001070.5 (MANE Select); 12 bases into the intron before coding-DNA position 694, G replaced by A.
Molecular consequence: intron variant.
Genome position (GRCh38, 1-based): chr17:42,613,837, G>A. VCF-style: chr17-42613837-G-A. GRCh37 (hg19) VCF-style: chr17-40765855-G-A.
Identifiers: ClinVar variation 511933 (VCV000511933.1), dbSNP rs1238665721, ClinGen allele CA658798837.

ClinVar aggregate classification (germline): Likely benign (1 of 4 stars; one submission).

Allele frequency attached by ClinVar (database versions not stated): gnomAD exomes below 0.00001; TOPMed below 0.00001; gnomAD 0.00001.
gnomAD v4.1: 8 of 1,613,994 alleles (0.0005%); highest among the groups gnomAD compares: African/African-American, 0.004%; no homozygotes.

Submission:

GeneDx
Classification: Likely benign. Last evaluated: 2017-10-03. Review status: criteria provided, single submitter. Criteria: GeneDx Variant Classification (06012015). Collection method: clinical testing. Allele origin: germline. Affected: yes.
Comment: This variant is considered likely benign or benign based on one or more of the following criteria: it is a conservative change, it occurs at a poorly conserved position in the protein, it is predicted to be benign by multiple in silico algorithms, and/or has population frequency not consistent with disease.